The following is an entry in ClinVar:

NM_000278.5(PAX2):c.599del (p.Lys200fs)

Gene: PAX2 (paired box 2; plus strand). Cytogenetic location: 10q24.31.
Variant type: Deletion.
Coding change: c.599del on transcript NM_000278.5 (MANE Select); coding-DNA position 599, one base deleted (A; older notation c.599delA).
Protein change: p.Lys200fs; shifts the reading frame from lysine 200.
Molecular consequence: frameshift variant.
Genome position (GRCh38, 1-based): chr10:100,781,348, A deleted; the last of 2 consecutive A bases (chr10:100,781,347-100,781,348); deleting either gives the same sequence. VCF-style (leftmost placement, unchanged base first): chr10-100781346-GA-G. GRCh37 (hg19) VCF-style: chr10-102541103-GA-G.
Other names: c.692del, p.Lys231fs (NM_001304569.2); c.599del, p.Lys200fs (NM_003987.5, NM_003988.5, NM_003989.5 and 1 more transcripts); short protein forms K200fs, K231fs.
Identifiers: ClinVar variation 4993042 (VCV004993042.1).

ClinVar aggregate classification (germline): Likely pathogenic (1 of 4 stars; one submission).

Conditions:
PAX2-Related Disorder. Also called: PAX2-related disorders. Identifiers: MedGen CN381309.

Submission:

PreventionGenetics, part of Exact Sciences
Classification: Likely pathogenic for PAX2-related condition. Last evaluated: 2026-03-01. Review status: criteria provided, single submitter. Criteria: ACMG Guidelines, 2015. Collection method: clinical testing. Allele origin: germline.
Comment: The PAX2 c.599delA variant is predicted to result in a frameshift and premature protein termination (p.Lys200Argfs*28). To our knowledge, this variant has not been reported in the literature or in a large population database (gnomAD), indicating this variant is rare. Frameshift variants in PAX2 are expected to be pathogenic. This variant is interpreted as likely pathogenic.